The following is an entry in ClinVar:

NM_031935.3(HMCN1):c.3178G>A (p.Ala1060Thr)

Gene: HMCN1 (hemicentin 1; plus strand). Cytogenetic location: 1q31.1.
Variant type: single nucleotide variant.
Coding change: c.3178G>A on transcript NM_031935.3 (MANE Select); coding-DNA position 3178, G replaced by A.
Protein change: p.Ala1060Thr; replaces alanine 1060 with threonine.
Molecular consequence: missense variant.
Genome position (GRCh38, 1-based): chr1:185,989,617, G>A. VCF-style: chr1-185989617-G-A. GRCh37 (hg19) VCF-style: chr1-185958749-G-A.
Other names: short protein forms A1060T.
Identifiers: ClinVar variation 3106233 (VCV003106233.2), dbSNP rs149692259, ClinGen allele CA1291635.

ClinVar aggregate classification (germline): Uncertain significance. Review status: criteria provided, multiple submitters, no conflicts (2 of 4 stars). 2 submissions from 2 submitters: Uncertain significance (2). Last evaluated 2025-11-08.

Allele frequency attached by ClinVar (database versions not stated): ExAC 0.00002; gnomAD exomes 0.00002; gnomAD 0.00008; TOPMed 0.00011; ESP Exome Variant Server 0.00023.
gnomAD v4.1: 36 of 1,613,858 alleles (0.0022%); highest among the groups gnomAD compares: African/African-American, 0.028%; no homozygotes.

Submissions (2):

Labcorp Genetics (formerly Invitae), Labcorp
Classification: Uncertain significance. Last evaluated: 2025-11-08. Review status: criteria provided, single submitter. Criteria: Invitae Variant Classification Sherloc (09022015). Collection method: clinical testing. Allele origin: germline.
Comment: This sequence change replaces alanine, which is neutral and non-polar, with threonine, which is neutral and polar, at codon 1060 of the HMCN1 protein (p.Ala1060Thr). This variant is present in population databases (rs149692259, gnomAD 0.03%). This variant has not been reported in the literature in individuals affected with HMCN1-related conditions. ClinVar contains an entry for this variant (Variation ID: 3106233). An algorithm developed to predict the effect of missense changes on protein structure and function (PolyPhen-2) suggests that this variant is likely to be disruptive. In summary, the available evidence is currently insufficient to determine the role of this variant in disease. Therefore, it has been classified as a Variant of Uncertain Significance.

Ambry Genetics
Classification: Uncertain significance. Last evaluated: 2024-02-14. Review status: criteria provided, single submitter. Criteria: Ambry Variant Classification Scheme 2023. Collection method: clinical testing. Allele origin: germline.